The following is an entry in ClinVar:

NC_000002.12:g.(?_232249229)_(232249356_?)dup

Gene: DIS3L2 (DIS3 like 3'-5' exoribonuclease 2; plus strand). Cytogenetic location: 2q37.1.
Variant type: Duplication.
Identifiers: ClinVar variation 832732 (VCV000832732.4).

ClinVar aggregate classification (germline): Uncertain significance (1 of 4 stars; one submission).

Conditions:
Perlman syndrome (PRLMNS). Identifiers: Orphanet 2849, MedGen C0796113, MONDO:0009965, OMIM 267000.

Submission:

Labcorp Genetics (formerly Invitae), Labcorp
Classification: Uncertain significance for Perlman syndrome. Last evaluated: 2019-09-29. Review status: criteria provided, single submitter. Criteria: Invitae Variant Classification Sherloc (09022015). Collection method: clinical testing. Allele origin: germline.
Comment: This variant results in a copy number gain of the genomic region encompassing exon 12 of the DIS3L2 gene. While the exact position of this variant cannot be determined from this data, sub-genic copy number gains are generally in tandem (PMID: 25640679). This variant would be expected to be in-frame, preserving the integrity of the reading frame. This variant has not been reported in the literature in individuals with DIS3L2-related conditions. In summary, the available evidence is currently insufficient to determine the role of this variant in disease. Therefore, it has been classified as a Variant of Uncertain Significance.

Literature cited by the submitters: PubMed 25640679.